The following is an entry in ClinVar:

ClinVar aggregate classification (germline): Uncertain significance (1 of 4 stars; one submission).

Submission:

Labcorp Genetics (formerly Invitae), Labcorp
Classification: Uncertain significance. Last evaluated: 2021-12-17. Review status: criteria provided, single submitter. Criteria: Invitae Variant Classification Sherloc (09022015). Collection method: clinical testing. Allele origin: germline.
Comment: In summary, the available evidence is currently insufficient to determine the role of this variant in disease. Therefore, it has been classified as a Variant of Uncertain Significance. Experimental studies and prediction algorithms are not available or were not evaluated, and the functional significance of this variant is currently unknown. This variant has not been reported in the literature in individuals affected with COL18A1-related conditions. This variant is not present in population databases (gnomAD no frequency). This sequence change replaces methionine, which is neutral and non-polar, with leucine, which is neutral and non-polar, at codon 614 of the COL18A1 protein (p.Met614Leu).

NM_001379500.1(COL18A1):c.1840A>T (p.Met614Leu)

Gene: COL18A1 (collagen type XVIII alpha 1 chain; plus strand). Cytogenetic location: 21q22.3.
Variant type: single nucleotide variant.
Coding change: c.1840A>T on transcript NM_001379500.1 (MANE Select); coding-DNA position 1840, A replaced by T.
Protein change: p.Met614Leu; replaces methionine 614 with leucine.
Molecular consequence: missense variant.
Genome position (GRCh38, 1-based): chr21:45,487,453, A>T. VCF-style: chr21-45487453-A-T. GRCh37 (hg19) VCF-style: chr21-46907367-A-T.
Other names: c.2380A>T, p.Met794Leu (NM_030582.4); c.3085A>T, p.Met1029Leu (NM_130444.3); short protein forms M1029L, M794L, M614L.
Identifiers: ClinVar variation 2045516 (VCV002045516.4), dbSNP rs2517661437, ClinGen allele CA410496428.